The following is an entry in ClinVar:

ClinVar aggregate classification (germline): Likely benign (0 of 4 stars; one submission).

Conditions:
PLXNA3-related disorder. Also called: PLXNA3-related condition.

Allele frequency attached by ClinVar (database versions not stated): gnomAD exomes 0.00003; gnomAD 0.00004; TOPMed 0.00004; ESP Exome Variant Server 0.00009; ExAC 0.00010; 1000 Genomes Project 30x 0.00021; 1000 Genomes Project 0.00026.
gnomAD v4.1: 37 of 1,207,193 alleles (0.0031%); highest among the groups gnomAD compares: South Asian, 0.025%; no homozygotes.

Submission:

PreventionGenetics, part of Exact Sciences
Classification: Likely benign for PLXNA3-related condition. Last evaluated: 2021-06-08. Review status: no assertion criteria provided. Collection method: clinical testing. Allele origin: germline.
Comment: This variant is classified as likely benign based on ACMG/AMP sequence variant interpretation guidelines (Richards et al. 2015 PMID: 25741868, with internal and published modifications).

NM_017514.5(PLXNA3):c.1752G>A (p.Ala584=)

Gene: PLXNA3 (plexin A3; plus strand). Cytogenetic location: Xq28.
Variant type: single nucleotide variant.
Coding change: c.1752G>A on transcript NM_017514.5 (MANE Select); coding-DNA position 1752, G replaced by A.
Protein change: p.Ala584=; no amino-acid change (alanine 584 retained).
Molecular consequence: synonymous variant.
Genome position (GRCh38, 1-based): chrX:154,464,237, G>A. VCF-style: chrX-154464237-G-A. GRCh37 (hg19) VCF-style: chrX-153692580-G-A.
Identifiers: ClinVar variation 3036176 (VCV003036176.2), dbSNP rs140476523, ClinGen allele CA10564165.
Genomic context (GRCh38, chrX:154,464,237, plus strand): 5'-CGTGCCAGACCTCAGTGCGGGCGTGAGCTGCGCCTTCGAGGCGGCGGCGGAGAACGAGGC[G>A]GTCCTGCTGCCCTCCGGTGAACTGCTCTGCCCCTCACCCTCCCTCCAGGAGCTCCGAGCT-3'
Protein context (NP_059984.3, residues 574-594): CAFEAAAENE[Ala584=]VLLPSGELLC